The following is an entry in ClinVar:

ClinVar aggregate classification (germline): Uncertain significance (1 of 4 stars; one submission).

Conditions:
Leber congenital amaurosis 3 (LCA3). Also called: SPATA7-Related Retinitis Pigmentosa. Identifiers: MedGen C1858677, MONDO:0011415, OMIM 604232.

Submission:

Labcorp Genetics (formerly Invitae), Labcorp
Classification: Uncertain significance for Leber congenital amaurosis 3. Last evaluated: 2022-02-05. Review status: criteria provided, single submitter. Criteria: Invitae Variant Classification Sherloc (09022015). Collection method: clinical testing. Allele origin: germline.
Comment: In summary, the available evidence is currently insufficient to determine the role of this variant in disease. Therefore, it has been classified as a Variant of Uncertain Significance. Algorithms developed to predict the effect of missense changes on protein structure and function are either unavailable or do not agree on the potential impact of this missense change (SIFT: "Deleterious"; PolyPhen-2: "Benign"; Align-GVGD: "Class C0"). ClinVar contains an entry for this variant (Variation ID: 1018842). This variant has not been reported in the literature in individuals affected with SPATA7-related conditions. This variant is not present in population databases (gnomAD no frequency). This sequence change replaces leucine, which is neutral and non-polar, with proline, which is neutral and non-polar, at codon 157 of the SPATA7 protein (p.Leu157Pro).

NM_018418.5(SPATA7):c.470T>C (p.Leu157Pro)

Gene: SPATA7 (spermatogenesis associated 7; plus strand). Cytogenetic location: 14q31.3.
Variant type: single nucleotide variant.
Coding change: c.470T>C on transcript NM_018418.5 (MANE Select); coding-DNA position 470, T replaced by C.
Protein change: p.Leu157Pro; replaces leucine 157 with proline.
Molecular consequence: missense variant.
Genome position (GRCh38, 1-based): chr14:88,426,329, T>C. VCF-style: chr14-88426329-T-C. GRCh37 (hg19) VCF-style: chr14-88892673-T-C.
Other names: c.374T>C, p.Leu125Pro (NM_001040428.4); short protein forms L125P, L157P.
Identifiers: ClinVar variation 1018842 (VCV001018842.8), dbSNP rs1053255812, ClinGen allele CA390562197.